The following is an entry in ClinVar:

ClinVar aggregate classification (germline): Uncertain significance (1 of 4 stars; one submission).

Conditions:
Charcot-Marie-Tooth disease type 2. Also called: Charcot-Marie-Tooth type 2. Identifiers: Orphanet 64746, MedGen C0270914, MONDO:0018993.

gnomAD v4.1: 1 of 1,614,160 alleles (0.000062%); highest among the groups gnomAD compares: Non-Finnish European, 0.000085%; no homozygotes.

Submission:

Labcorp Genetics (formerly Invitae), Labcorp
Classification: Uncertain significance for Charcot-Marie-Tooth disease type 2. Last evaluated: 2023-06-30. Review status: criteria provided, single submitter. Criteria: Invitae Variant Classification Sherloc (09022015). Collection method: clinical testing. Allele origin: germline.
Comment: This missense change has been observed in individual(s) with clinical features of MFN2-related conditions (Invitae). In summary, the available evidence is currently insufficient to determine the role of this variant in disease. Therefore, it has been classified as a Variant of Uncertain Significance. Advanced modeling of protein sequence and biophysical properties (such as structural, functional, and spatial information, amino acid conservation, physicochemical variation, residue mobility, and thermodynamic stability) performed at Invitae indicates that this missense variant is expected to disrupt MFN2 protein function. ClinVar contains an entry for this variant (Variation ID: 957829). This variant is not present in population databases (gnomAD no frequency). This sequence change replaces valine, which is neutral and non-polar, with glycine, which is neutral and non-polar, at codon 354 of the MFN2 protein (p.Val354Gly).

NM_014874.4(MFN2):c.1061T>G (p.Val354Gly)

Gene: MFN2 (mitofusin 2; plus strand). Cytogenetic location: 1p36.22.
Variant type: single nucleotide variant.
Coding change: c.1061T>G on transcript NM_014874.4 (MANE Select); coding-DNA position 1061, T replaced by G.
Protein change: p.Val354Gly; replaces valine 354 with glycine.
Molecular consequence: missense variant.
Genome position (GRCh38, 1-based): chr1:12,002,004, T>G. VCF-style: chr1-12002004-T-G. GRCh37 (hg19) VCF-style: chr1-12062061-T-G.
Other names: c.1061T>G, p.Val354Gly (NM_001127660.2); short protein forms V354G.
Identifiers: ClinVar variation 957829 (VCV000957829.9), dbSNP rs1057518235, ClinGen allele CA338442709.